The following is an entry in ClinVar:

ClinVar aggregate classification (germline): Uncertain significance (1 of 4 stars; one submission).

Conditions:
Norman-Roberts syndrome (LIS2). Also called: Lissencephaly 2 (Norman-Roberts type). Identifiers: Orphanet 89844, MedGen C0796089, MONDO:0009760, OMIM 257320.
Familial temporal lobe epilepsy 7. Identifiers: Orphanet 101046, MedGen C4225327, MONDO:0014639, OMIM 616436.

Allele frequency attached by ClinVar (database versions not stated): gnomAD exomes below 0.00001.
gnomAD v4.1: 1 of 1,610,190 alleles (0.000062%); highest among the groups gnomAD compares: African/African-American, 0.0013%; no homozygotes.

Submission:

Labcorp Genetics (formerly Invitae), Labcorp
Classification: Uncertain significance for Familial temporal lobe epilepsy 7; Norman-Roberts syndrome. Last evaluated: 2025-05-27. Review status: criteria provided, single submitter. Criteria: Invitae Variant Classification Sherloc (09022015). Collection method: clinical testing. Allele origin: germline.
Comment: This sequence change falls in intron 58 of the RELN gene. It does not directly change the encoded amino acid sequence of the RELN protein. It affects a nucleotide within the consensus splice site. This variant is not present in population databases (gnomAD no frequency). This variant has not been reported in the literature in individuals affected with RELN-related conditions. ClinVar contains an entry for this variant (Variation ID: 1426493). Variants that disrupt the consensus splice site are a relatively common cause of aberrant splicing (PMID: 17576681, 9536098). Algorithms developed to predict the effect of sequence changes on RNA splicing suggest that this variant is not likely to affect RNA splicing. In summary, the available evidence is currently insufficient to determine the role of this variant in disease. Therefore, it has been classified as a Variant of Uncertain Significance.

Literature cited by the submitters: PubMed 17576681; PubMed 9536098.

NM_005045.4(RELN):c.9443+4T>C

Genes: SLC26A5-AS1 (SLC26A5 antisense RNA 1; plus strand), RELN (reelin; minus strand). Cytogenetic location: 7q22.1.
Variant type: single nucleotide variant.
Coding change: c.9443+4T>C on transcript NM_005045.4 (MANE Select); 4 bases into the intron after coding-DNA position 9443, T replaced by C.
Molecular consequence: intron variant.
Genome position (GRCh38, 1-based): chr7:103,491,949, A>G on the plus strand (T>C on the coding strand, the complement: RELN is on the minus strand). VCF-style: chr7-103491949-A-G. GRCh37 (hg19) VCF-style: chr7-103132396-A-G.
Other names: c.9443+4T>C (NM_173054.3).
Identifiers: ClinVar variation 1426493 (VCV001426493.6), dbSNP rs1828687122, ClinGen allele CA913111767.